The following is an entry in ClinVar:

NM_000432.4(MYL2):c.274+339C>T

Gene: MYL2 (myosin light chain 2; minus strand). Cytogenetic location: 12q24.11.
Variant type: single nucleotide variant.
Coding change: c.274+339C>T on transcript NM_000432.4 (MANE Select); 339 bases into the intron after coding-DNA position 274, C replaced by T.
Molecular consequence: intron variant.
Genome position (GRCh38, 1-based): chr12:110,913,847, G>A on the plus strand (C>T on the coding strand, the complement: MYL2 is on the minus strand). VCF-style: chr12-110913847-G-A. GRCh37 (hg19) VCF-style: chr12-111351651-G-A.
Identifiers: ClinVar variation 683982 (VCV000683982.1), dbSNP rs61940352, ClinGen allele CA243561874.

ClinVar aggregate classification (germline): Likely benign (1 of 4 stars; one submission).

Allele frequency attached by ClinVar (database versions not stated): 1000 Genomes Project 30x 0.00406; 1000 Genomes Project 0.00439; TOPMed 0.00931; gnomAD 0.01227 and 0.01252.
gnomAD v4.1: 1,853 of 152,202 alleles (1.2%); highest among the groups gnomAD compares: Non-Finnish European, 1.5%; 12 homozygotes.

Submission:

GeneDx
Classification: Likely benign. Last evaluated: 2018-06-19. Review status: criteria provided, single submitter. Criteria: GeneDx Variant Classification (06012015). Collection method: clinical testing. Allele origin: germline. Affected: yes.
Comment: This variant is considered likely benign or benign based on one or more of the following criteria: it is a conservative change, it occurs at a poorly conserved position in the protein, it is predicted to be benign by multiple in silico algorithms, and/or has population frequency not consistent with disease.